The following is an entry in ClinVar:

NM_014915.3(ANKRD26):c.4072A>G (p.Arg1358Gly)

Gene: ANKRD26 (ankyrin repeat domain 26; minus strand). Cytogenetic location: 10p12.1.
Variant type: single nucleotide variant.
Coding change: c.4072A>G on transcript NM_014915.3 (MANE Select); coding-DNA position 4072, A replaced by G.
Protein change: p.Arg1358Gly; replaces arginine 1358 with glycine.
Molecular consequence: missense variant.
Genome position (GRCh38, 1-based): chr10:27,024,460, T>C on the plus strand (A>G on the coding strand, the complement: ANKRD26 is on the minus strand). VCF-style: chr10-27024460-T-C. GRCh37 (hg19) VCF-style: chr10-27313389-T-C.
Other names: c.4069A>G, p.Arg1357Gly (NM_001256053.2); short protein forms R1358G, R1357G.
Identifiers: ClinVar variation 4580250 (VCV004580250.1).

ClinVar aggregate classification (germline): Uncertain significance (1 of 4 stars; one submission).

Conditions:
Inborn genetic diseases. Identifiers: MedGen C0950123, MeSH D030342.

gnomAD v4.1: 4 of 1,513,642 alleles (0.00026%); highest among the groups gnomAD compares: Non-Finnish European, 0.00037%; no homozygotes.

Submission:

Ambry Genetics
Classification: Uncertain significance for Inborn genetic diseases. Last evaluated: 2025-12-01. Review status: criteria provided, single submitter. Criteria: Ambry Variant Classification Scheme 2023. Collection method: clinical testing. Allele origin: germline.
Comment: The p.R1358G variant (also known as c.4072A>G), located in coding exon 28 of the ANKRD26 gene, results from an A to G substitution at nucleotide position 4072. The arginine at codon 1358 is replaced by glycine, an amino acid with dissimilar properties. This amino acid position is conserved. In addition, this alteration is predicted to be tolerated by in silico analysis. Based on the available evidence, the clinical significance of this variant remains unclear.